The following is an entry in ClinVar:

NM_012123.4(MTO1):c.2002C>T (p.Gln668Ter)

Gene: MTO1 (mitochondrial tRNA translation optimization 1; plus strand). Cytogenetic location: 6q13.
Variant type: single nucleotide variant.
Coding change: c.2002C>T on transcript NM_012123.4 (MANE Select); coding-DNA position 2002, C replaced by T.
Protein change: p.Gln668Ter; replaces glutamine 668 with a stop codon.
Molecular consequence: nonsense.
Genome position (GRCh38, 1-based): chr6:73,500,658, C>T. VCF-style: chr6-73500658-C-T. GRCh37 (hg19) VCF-style: chr6-74210381-C-T.
Other names: c.2122C>T, p.Gln708Ter (NM_001123226.2); c.2077C>T, p.Gln693Ter (NM_133645.3); short protein forms Q693*, Q708*, Q668*.
Identifiers: ClinVar variation 1432122 (VCV001432122.4), dbSNP rs1235728877, ClinGen allele CA364701952.

ClinVar aggregate classification (germline): Uncertain significance (1 of 4 stars; one submission).

Conditions:
Mitochondrial hypertrophic cardiomyopathy with lactic acidosis due to MTO1 deficiency. Also called: CARDIOMYOPATHY, INFANTILE HYPERTROPHIC MITOCHONDRIAL, AND LACTIC ACIDOSIS; Combined oxidative phosphorylation deficiency 10. Identifiers: Orphanet 314637, MedGen C4749921, MONDO:0013865, OMIM 614702.

Allele frequency attached by ClinVar (database versions not stated): TOPMed 0.00001; gnomAD exomes 0.00001.
gnomAD v4.1: 3 of 1,613,954 alleles (0.00019%); highest among the groups gnomAD compares: Admixed American, 0.0033%; no homozygotes.

Submission:

Labcorp Genetics (formerly Invitae), Labcorp
Classification: Uncertain significance for Mitochondrial hypertrophic cardiomyopathy with lactic acidosis due to MTO1 deficiency. Last evaluated: 2022-03-19. Review status: criteria provided, single submitter. Criteria: Invitae Variant Classification Sherloc (09022015). Collection method: clinical testing. Allele origin: germline.
Comment: In summary, the available evidence is currently insufficient to determine the role of this variant in disease. Therefore, it has been classified as a Variant of Uncertain Significance. Experimental studies and prediction algorithms are not available or were not evaluated, and the functional significance of this variant is currently unknown. This variant has not been reported in the literature in individuals affected with MTO1-related conditions. This variant is present in population databases (no rsID available, gnomAD 0.007%). This sequence change creates a premature translational stop signal (p.Gln668*) in the MTO1 gene. While this is not anticipated to result in nonsense mediated decay, it is expected to disrupt the last 25 amino acid(s) of the MTO1 protein.